The following is an entry in ClinVar:

NM_004360.5(CDH1):c.1776C>T (p.Ala592=)

Gene: CDH1 (cadherin 1; plus strand). Cytogenetic location: 16q22.1.
Variant type: single nucleotide variant.
Coding change: c.1776C>T on transcript NM_004360.5 (MANE Select); coding-DNA position 1776, C replaced by T.
Protein change: p.Ala592=; no amino-acid change (alanine 592 retained).
Molecular consequence: synonymous variant. On other transcripts: 5 prime UTR variant (1).
Genome position (GRCh38, 1-based): chr16:68,822,065, C>T. VCF-style: chr16-68822065-C-T. GRCh37 (hg19) VCF-style: chr16-68855968-C-T.
Other names: c.1776C>T (LRG_301t1); c.1593C>T, p.Ala531= (NM_001317184.2); c.228C>T, p.Ala76= (NM_001317185.2); c.-190C>T (NM_001317186.2).
Identifiers: ClinVar variation 233314 (VCV000233314.16), dbSNP rs876660329, ClinGen allele CA10580132.

ClinVar aggregate classification (germline): Benign/Likely benign. Review status: criteria provided, multiple submitters, no conflicts (2 of 4 stars). 4 submissions from 4 submitters: Benign (1); Likely benign (3). Last evaluated 2024-09-20.

Conditions:
Hereditary cancer-predisposing syndrome. Also called: Tumor predisposition; Hereditary Cancer Syndrome; Hereditary neoplastic syndrome; Neoplastic Syndromes, Hereditary. Identifiers: Orphanet 140162, MedGen C0027672, MeSH D009386, MONDO:0015356.
Hereditary diffuse gastric adenocarcinoma (HDGC). Also called: DIFFUSE GASTRIC AND LOBULAR BREAST CANCER SYNDROME. Identifiers: Orphanet 26106, MedGen C1708349, MONDO:0007648, OMIM 137215.

Allele frequency attached by ClinVar (database versions not stated): gnomAD exomes below 0.00001.
gnomAD v4.1: 1 of 1,614,146 alleles (0.000062%); highest among the groups gnomAD compares: Non-Finnish European, 0.000085%; no homozygotes.

Submissions (4):

Myriad Genetics, Inc.
Classification: Benign for Hereditary diffuse gastric adenocarcinoma. Last evaluated: 2024-09-20. Review status: criteria provided, single submitter. Criteria: Myriad Autosomal Dominant, Autosomal Recessive and X-Linked Classification Criteria (2023). Collection method: clinical testing. Allele origin: unknown.
Comment: This variant is considered benign. This variant is a silent/synonymous amino acid change and it is not expected to impact splicing.

Labcorp Genetics (formerly Invitae), Labcorp
Classification: Likely benign for Hereditary diffuse gastric adenocarcinoma. Last evaluated: 2023-01-10. Review status: criteria provided, single submitter. Criteria: Invitae Variant Classification Sherloc (09022015). Collection method: clinical testing. Allele origin: germline.

Women's Health and Genetics/Laboratory Corporation of America, LabCorp
Classification: Likely benign. Last evaluated: 2021-06-20. Review status: criteria provided, single submitter. Criteria: LabCorp Variant Classification Summary - May 2015. Collection method: clinical testing. Allele origin: germline.

Ambry Genetics
Classification: Likely benign for Hereditary cancer-predisposing syndrome. Last evaluated: 2015-07-29. Review status: criteria provided, single submitter. Criteria: Ambry Variant Classification Scheme 2023. Collection method: clinical testing. Allele origin: germline.